The following is an entry in ClinVar:

ClinVar aggregate classification (germline): Uncertain significance (1 of 4 stars; one submission).

Allele frequency attached by ClinVar (database versions not stated): gnomAD 0.00001; gnomAD exomes 0.00001; ExAC 0.00002.
gnomAD v4.1: 9 of 1,605,244 alleles (0.00056%); highest among the groups gnomAD compares: East Asian, 0.0022%; no homozygotes.

Submission:

Labcorp Genetics (formerly Invitae), Labcorp
Classification: Uncertain significance. Last evaluated: 2024-06-17. Review status: criteria provided, single submitter. Criteria: Invitae Variant Classification Sherloc (09022015). Collection method: clinical testing. Allele origin: germline.
Comment: This sequence change replaces isoleucine, which is neutral and non-polar, with threonine, which is neutral and polar, at codon 342 of the GNAT2 protein (p.Ile342Thr). This variant is present in population databases (rs758178456, gnomAD 0.002%). This variant has not been reported in the literature in individuals affected with GNAT2-related conditions. ClinVar contains an entry for this variant (Variation ID: 1026175). Advanced modeling of protein sequence and biophysical properties (such as structural, functional, and spatial information, amino acid conservation, physicochemical variation, residue mobility, and thermodynamic stability) performed at Invitae indicates that this missense variant is not expected to disrupt GNAT2 protein function with a negative predictive value of 80%. In summary, the available evidence is currently insufficient to determine the role of this variant in disease. Therefore, it has been classified as a Variant of Uncertain Significance.

NM_001377295.2(GNAT2):c.1025T>C (p.Ile342Thr)

Gene: GNAT2 (G protein subunit alpha transducin 2; minus strand). Cytogenetic location: 1p13.3.
Variant type: single nucleotide variant.
Coding change: c.1025T>C on transcript NM_001377295.2 (MANE Select); coding-DNA position 1025, T replaced by C.
Protein change: p.Ile342Thr; replaces isoleucine 342 with threonine.
Molecular consequence: missense variant.
Genome position (GRCh38, 1-based): chr1:109,603,394, A>G on the plus strand (T>C on the coding strand, the complement: GNAT2 is on the minus strand). VCF-style: chr1-109603394-A-G. GRCh37 (hg19) VCF-style: chr1-110146016-A-G.
Other names: c.1025T>C, p.Ile342Thr (NM_001379232.1, NM_005272.5); short protein forms I342T.
Identifiers: ClinVar variation 1026175 (VCV001026175.5), dbSNP rs758178456, ClinGen allele CA992257.